The following is an entry in ClinVar:

ClinVar aggregate classification (germline): Likely benign. Review status: criteria provided, single submitter (1 of 4 stars). 2 submissions from 2 submitters: Likely benign (1). 1 of the submissions does not count toward it. Last evaluated 2026-01-20.

Conditions:
ALDOB-related disorder. Also called: ALDOB-related condition.
Hereditary fructosuria. Also called: ALDOB DEFICIENCY; ALDOLASE B DEFICIENCY; FRUCTOSE-1,6-BISPHOSPHATE ALDOLASE B DEFICIENCY; FRUCTOSE-1-PHOSPHATE ALDOLASE DEFICIENCY; FRUCTOSEMIA; Fructose intolerance. Identifiers: Orphanet 469, MedGen C0016751, MONDO:0009249, OMIM 229600, HP:0005973. Disease mechanism: loss of function.

Allele frequency attached by ClinVar (database versions not stated): gnomAD exomes below 0.00001; ExAC 0.00001; gnomAD 0.00001.
gnomAD v4.1: 5 of 1,613,980 alleles (0.00031%); highest among the groups gnomAD compares: African/African-American, 0.0027%; no homozygotes.

Submissions (2):

Labcorp Genetics (formerly Invitae), Labcorp
Classification: Likely benign for Hereditary fructosuria. Last evaluated: 2026-01-20. Review status: criteria provided, single submitter. Criteria: Invitae Variant Classification Sherloc (09022015). Collection method: clinical testing. Allele origin: germline.

PreventionGenetics, part of Exact Sciences
Classification: Likely benign for ALDOB-related condition. Last evaluated: 2021-06-15. Review status: no assertion criteria provided. Collection method: clinical testing. Allele origin: germline. Not counted in ClinVar's aggregate classification.
Comment: This variant is classified as likely benign based on ACMG/AMP sequence variant interpretation guidelines (Richards et al. 2015 PMID: 25741868, with internal and published modifications).

NM_000035.4(ALDOB):c.222C>T (p.Ile74=)

Gene: ALDOB (aldolase, fructose-bisphosphate B; minus strand). Cytogenetic location: 9q31.1.
Variant type: single nucleotide variant.
Coding change: c.222C>T on transcript NM_000035.4 (MANE Select); coding-DNA position 222, C replaced by T.
Protein change: p.Ile74=; no amino-acid change (isoleucine 74 retained).
Molecular consequence: synonymous variant.
Genome position (GRCh38, 1-based): chr9:101,429,857, G>A on the plus strand (C>T on the coding strand, the complement: ALDOB is on the minus strand). VCF-style: chr9-101429857-G-A. GRCh37 (hg19) VCF-style: chr9-104192139-G-A.
Other names: c.222C>T (NM_000035.3).
Identifiers: ClinVar variation 1094093 (VCV001094093.11), dbSNP rs754735910, ClinGen allele CA5161696.